The following is an entry in ClinVar:

ClinVar aggregate classification (germline): Pathogenic/Likely pathogenic. Review status: criteria provided, multiple submitters, no conflicts (2 of 4 stars). 4 submissions from 4 submitters: Pathogenic (1); Likely pathogenic (3). Last evaluated 2024-07-30.

Conditions:
EIF2B5-related disorder. Also called: EIF2B5-related condition.
EIF2B5-related disorders.
Leukoencephalopathy with vanishing white matter 5 (VWM5). Also called: Leukoencephalopathy with vanishing white matter 5, with or without ovarian failure; EIF2B5-Related Childhood Ataxia with Central Nervous System Hypomyelination/Vanishing White Matter. Identifiers: MedGen C5779973, MONDO:0957873, OMIM 620315.

Allele frequency attached by ClinVar (database versions not stated): gnomAD exomes below 0.00001 and 0.00001; ExAC 0.00001.

Submissions (4):

Labcorp Genetics (formerly Invitae), Labcorp
Classification: Pathogenic. Last evaluated: 2024-07-30. Review status: criteria provided, single submitter. Criteria: Invitae Variant Classification Sherloc (09022015). Collection method: clinical testing. Allele origin: germline.
Comment: This sequence change replaces leucine, which is neutral and non-polar, with serine, which is neutral and polar, at codon 68 of the EIF2B5 protein (p.Leu68Ser). This variant is present in population databases (rs113994044, gnomAD 0.0009%). This missense change has been observed in individuals with leukoencephalopathy with vanishing white matter (PMID: 15776425, 16864840, 27665184). ClinVar contains an entry for this variant (Variation ID: 1453777). Advanced modeling of protein sequence and biophysical properties (such as structural, functional, and spatial information, amino acid conservation, physicochemical variation, residue mobility, and thermodynamic stability) performed at Invitae indicates that this missense variant is expected to disrupt EIF2B5 protein function with a positive predictive value of 80%. Experimental studies have shown that this missense change does not substantially affect EIF2B5 function (PMID: 21560189). For these reasons, this variant has been classified as Pathogenic.

Fulgent Genetics
Classification: Likely pathogenic for Leukoencephalopathy with vanishing white matter 5. Last evaluated: 2024-06-03. Review status: criteria provided, single submitter. Criteria: ACMG Guidelines, 2015. Collection method: clinical testing. Allele origin: germline.

PreventionGenetics, part of Exact Sciences
Classification: Likely pathogenic for EIF2B5-related condition. Last evaluated: 2022-10-06. Review status: criteria provided, single submitter. Criteria: ACMG Guidelines, 2015. Collection method: clinical testing. Allele origin: germline.
Comment: The EIF2B5 c.203T>C variant is predicted to result in the amino acid substitution p.Leu68Ser. This variant has been reported in four individuals with leukoencephalopathy with vanishing white matter, who also carried a second presumed deleterious allele; however, phase was not established in these cases (Ohlenbusch et al 2005. PubMed ID: 15776425; Liu R et al 2011. PubMed ID: 21560189; Singh RR et al 2016. PubMed ID: 27665184; Federico A et al 2006. PubMed ID: 16864840). This variant is reported in 0.00088% of alleles in individuals of European (Non-Finnish) descent in gnomAD (1 allele), indicating it is rare. This variant occurs in a highly conserved region of the nucleotidyltransferase domain (residue 44-165), where several other disease-associated variants have been reported (see for example, Fogli et al. 2004. PubMed ID: 15136673). However, one study found that the p.Leu68Ser variant had little affect on protein function as measured by in vitro assays (Liu R et al 2011. PubMed ID: 21560189). Taken together, this variant is interpreted as likely pathogenic.

Blueprint Genetics
Classification: Likely pathogenic for EIF2B5-related disorders. Last evaluated: 2018-07-24. Review status: criteria provided, single submitter. Criteria: ACMG Guidelines, 2015. Collection method: clinical testing. Allele origin: germline. Affected: yes. Observed: 2 variant alleles.

Literature cited by the submitters: PubMed 15776425 (cited by Labcorp Genetics (formerly Invitae), Labcorp); PubMed 16864840 (cited by Labcorp Genetics (formerly Invitae), Labcorp); PubMed 27665184 (cited by Labcorp Genetics (formerly Invitae), Labcorp); PubMed 21560189 (cited by Labcorp Genetics (formerly Invitae), Labcorp).

NM_003907.3(EIF2B5):c.203T>C (p.Leu68Ser)

Gene: EIF2B5 (eukaryotic translation initiation factor 2B subunit epsilon; plus strand). Cytogenetic location: 3q27.1.
Variant type: single nucleotide variant.
Coding change: c.203T>C on transcript NM_003907.3 (MANE Select); coding-DNA position 203, T replaced by C.
Protein change: p.Leu68Ser; replaces leucine 68 with serine.
Molecular consequence: missense variant.
Genome position (GRCh38, 1-based): chr3:184,136,619, T>C. VCF-style: chr3-184136619-T-C. GRCh37 (hg19) VCF-style: chr3-183854407-T-C.
Other names: c.203T>C (NM_003907.2); short protein forms L68S.
Identifiers: ClinVar variation 1453777 (VCV001453777.8), dbSNP rs113994044, ClinGen allele CA2726343.
Genomic context (GRCh38, chr3:184,136,619, plus strand): 5'-GGTACCCAAAGGGATTCGAGACCTCAAGTTTTTTTTCATCTTGTATCCTTCAGGTCCTCT[T>C]GCCCCTGGCCAATGTGGCATTAATTGACTACACTCTGGAATTCCTGACTGCCACAGGTGT-3'
Protein context (NP_003898.2, residues 58-78): PISKDQPRVL[Leu68Ser]PLANVALIDY